The following is an entry in ClinVar:

ClinVar aggregate classification (germline): Pathogenic (1 of 4 stars; one submission).

Conditions:
Pheochromocytoma/paraganglioma syndrome 5. Also called: Paragangliomas 5; SDHA-Related Hereditary Paraganglioma-Pheochromocytoma Syndrome. Identifiers: Orphanet 29072, MedGen C3279992, MONDO:0013602, OMIM 614165.

Submission:

Myriad Genetics, Inc.
Classification: Pathogenic for Pheochromocytoma/paraganglioma syndrome 5. Last evaluated: 2026-07-21. Review status: criteria provided, single submitter. Criteria: Myriad Autosomal Dominant, Autosomal Recessive and X-Linked Classification Criteria (2023). Collection method: clinical testing. Allele origin: unknown.
Comment: This variant is considered pathogenic. This variant creates a termination codon and is predicted to result in premature protein truncation.

NM_004168.4(SDHA):c.1840C>T (p.Gln614Ter)

Gene: SDHA (succinate dehydrogenase complex flavoprotein subunit A; plus strand). Cytogenetic location: 5p15.33.
Variant type: single nucleotide variant.
Coding change: c.1840C>T on transcript NM_004168.4 (MANE Select); coding-DNA position 1840, C replaced by T.
Protein change: p.Gln614Ter; replaces glutamine 614 with a stop codon.
Molecular consequence: nonsense.
Genome position (GRCh38, 1-based): chr5:254,438, C>T. VCF-style: chr5-254438-C-T. GRCh37 (hg19) VCF-style: chr5-254553-C-T.
Other names: c.1696C>T, p.Gln566Ter (NM_001294332.2); c.1597C>T, p.Gln533Ter (NM_001330758.2); short protein forms Q533*, Q566*, Q614*.
Identifiers: ClinVar variation 5042352 (VCV005042352.1).